The following is an entry in ClinVar:

NM_000138.5(FBN1):c.64A>G (p.Ser22Gly)

Genes: FBN1 (fibrillin 1; minus strand), LOC130057019 (ATAC-STARR-seq lymphoblastoid silent region 6417; plus strand). Cytogenetic location: 15q21.1.
Variant type: single nucleotide variant.
Coding change: c.64A>G on transcript NM_000138.5 (MANE Select); coding-DNA position 64, A replaced by G.
Protein change: p.Ser22Gly; replaces serine 22 with glycine.
Molecular consequence: missense variant.
Genome position (GRCh38, 1-based): chr15:48,644,706, T>C on the plus strand (A>G on the coding strand, the complement: FBN1 is on the minus strand). VCF-style: chr15-48644706-T-C. GRCh37 (hg19) VCF-style: chr15-48936903-T-C.
Other names: short protein forms S22G.
Identifiers: ClinVar variation 1319507 (VCV001319507.19), dbSNP rs2140787724, ClinGen allele CA392453796.

ClinVar aggregate classification (germline): Uncertain significance. Review status: criteria provided, multiple submitters, no conflicts (2 of 4 stars). 2 submissions from 2 submitters: Uncertain significance (2). Last evaluated 2024-08-01.

Submissions (2):

CeGaT Center for Human Genetics Tuebingen
Classification: Uncertain significance. Last evaluated: 2024-08-01. Review status: criteria provided, single submitter. Criteria: CeGaT Center For Human Genetics Tuebingen Variant Classification Criteria Version 2. Collection method: clinical testing. Allele origin: germline. Affected: yes. Observed: 1 variant allele.
Comment: FBN1: PM2

Institute for Clinical Genetics, University Hospital TU Dresden, University Hospital TU Dresden
Classification: Uncertain significance. Last evaluated: 2021-11-03. Review status: criteria provided, single submitter. Criteria: ACMG Guidelines, 2015. Collection method: clinical testing. Allele origin: germline.